The following is an entry in ClinVar:

NM_001365951.3(KIF1B):c.2821_2822inv (p.Asp941Ser)

Genes: KIF1B (kinesin family member 1B; plus strand), LOC126805614 (BRD4-independent group 4 enhancer GRCh37_chr1:10385546-10386745; plus strand). Cytogenetic location: 1p36.22.
Variant type: Inversion.
Coding change: c.2821_2822inv on transcript NM_001365951.3 (MANE Select).
Protein change: p.Asp941Ser; replaces aspartic acid 941 with serine.
Molecular consequence: missense variant.
Genome position: GRCh38 VCF-style: chr1-10326256-GA-TC. GRCh37 (hg19) VCF-style: chr1-10386314-GA-TC.
Other names: c.2821_2822inv, p.Asp941Ser (NM_001365952.1); c.2683_2684inv, p.Asp895Ser (NM_015074.3); c.2683_2684delGAinsTC (NM_015074.3); short protein forms D941S, D895S.
Identifiers: ClinVar variation 2563612 (VCV002563612.2), ClinGen allele CA2580611400.

ClinVar aggregate classification (germline): Uncertain significance (1 of 4 stars; one submission).

Submission:

Ambry Genetics
Classification: Uncertain significance. Last evaluated: 2023-05-02. Review status: criteria provided, single submitter. Criteria: Ambry Variant Classification Scheme 2023. Collection method: clinical testing. Allele origin: germline.
Comment: The c.2683_2684delGAinsTC variant (also known as p.D895S), located in coding exon 24 of the KIF1B gene, results from an in-frame deletion of GA and insertion of TC at nucleotide positions 2683 to 2684. This results in the substitution of the aspartic acid residue for a serine residue at codon 895, an amino acid with similar properties. In addition, this alteration is predicted to be neutral by in silico analysis (Choi Y et al. PLoS ONE. 2012; 7(10):e46688). This amino acid position is highly conserved in available vertebrate species. The evidence for this gene-disease relationship is limited; therefore, the clinical significance of this alteration is unclear.